The following is an entry in ClinVar:

NM_004557.4(NOTCH4):c.4828T>C (p.Leu1610=)

Gene: NOTCH4 (notch receptor 4; minus strand). Cytogenetic location: 6p21.32.
Variant type: single nucleotide variant.
Coding change: c.4828T>C on transcript NM_004557.4 (MANE Select); coding-DNA position 4828, T replaced by C.
Protein change: p.Leu1610=; no amino-acid change (leucine 1610 retained).
Molecular consequence: synonymous variant. On other transcripts: non-coding transcript variant (2).
Genome position (GRCh38, 1-based): chr6:32,197,523, A>G on the plus strand (T>C on the coding strand, the complement: NOTCH4 is on the minus strand). VCF-style: chr6-32197523-A-G. GRCh37 (hg19) VCF-style: chr6-32165300-A-G.
Identifiers: ClinVar variation 769679 (VCV000769679.22), dbSNP rs8192576, ClinGen allele CA3739149.
Genomic context (GRCh38, chr6:32,197,523, plus strand): 5'-TGTGAGCCTGGGGACAGGCCCCTCCATCCAGCAGAGGTTCCCAGGGCTCAGGACATCCCA[A>G]CCATGCCCCTTGGAAGGTCCCGGACTGTACTTCCCCACAGCAAACTGCTGACATCAGGGG-3'
Protein context (NP_004548.3, residues 1600-1620): VQSGTFQGAW[Leu1610=]GCPEPWEPLL

ClinVar aggregate classification (germline): Benign. Review status: criteria provided, multiple submitters, no conflicts (2 of 4 stars). 2 submissions from 2 submitters: Benign (2). Last evaluated 2025-07-01.

Allele frequency attached by ClinVar (database versions not stated): 1000 Genomes Project 30x 0.00453; 1000 Genomes Project 0.00459; ESP Exome Variant Server 0.00861; TOPMed 0.00873; gnomAD 0.00928 and 0.00957; ExAC 0.00998; gnomAD exomes 0.01011.
gnomAD v4.1: 14,620 of 1,611,888 alleles (0.91%); highest among the groups gnomAD compares: Middle Eastern, 1.4%; 124 homozygotes.

Submissions (2):

CeGaT Center for Human Genetics Tuebingen
Classification: Benign. Last evaluated: 2025-07-01. Review status: criteria provided, single submitter. Criteria: CeGaT Center For Human Genetics Tuebingen Variant Classification Criteria Version 2. Collection method: clinical testing. Allele origin: germline. Affected: yes. Observed: 6 variant alleles.
Comment: NOTCH4: BP4, BP7, BS1, BS2

Labcorp Genetics (formerly Invitae), Labcorp
Classification: Benign. Last evaluated: 2018-08-01. Review status: criteria provided, single submitter. Criteria: Invitae Variant Classification Sherloc (09022015). Collection method: clinical testing. Allele origin: germline.